The following is an entry in ClinVar:

NM_005591.4(MRE11):c.1142T>C (p.Phe381Ser)

Gene: MRE11 (MRE11 double strand break repair nuclease; minus strand). Cytogenetic location: 11q21.
Variant type: single nucleotide variant.
Coding change: c.1142T>C on transcript NM_005591.4 (MANE Select); coding-DNA position 1142, T replaced by C.
Protein change: p.Phe381Ser; replaces phenylalanine 381 with serine.
Molecular consequence: missense variant.
Genome position (GRCh38, 1-based): chr11:94,464,196, A>G on the plus strand (T>C on the coding strand, the complement: MRE11 is on the minus strand). VCF-style: chr11-94464196-A-G. GRCh37 (hg19) VCF-style: chr11-94197362-A-G.
Other names: c.1142T>C, p.Phe381Ser (NM_001330347.2, NM_005590.4); short protein forms F381S.
Identifiers: ClinVar variation 3397881 (VCV003397881.1).

ClinVar aggregate classification (germline): Uncertain significance (1 of 4 stars; one submission).

Conditions:
Hereditary cancer-predisposing syndrome. Also called: Hereditary Cancer Syndrome; Tumor predisposition; Hereditary neoplastic syndrome; Neoplastic Syndromes, Hereditary. Identifiers: Orphanet 140162, MedGen C0027672, MeSH D009386, MONDO:0015356.

Submission:

Ambry Genetics
Classification: Uncertain significance for Hereditary cancer-predisposing syndrome. Last evaluated: 2024-10-29. Review status: criteria provided, single submitter. Criteria: Ambry Variant Classification Scheme 2023. Collection method: clinical testing. Allele origin: germline.
Comment: The p.F381S variant (also known as c.1142T>C), located in coding exon 10 of the MRE11A gene, results from a T to C substitution at nucleotide position 1142. The phenylalanine at codon 381 is replaced by serine, an amino acid with highly dissimilar properties. This amino acid position is conserved. In addition, this alteration is predicted to be deleterious by in silico analysis. Based on the available evidence, the clinical significance of this variant remains unclear.